The following is an entry in ClinVar:

ClinVar aggregate classification (germline): Benign (1 of 4 stars; one submission).

Conditions:
Polycystic liver disease 2 (PCLD2). Also called: Polycystic liver disease 2 with or without kidney cysts. Identifiers: Orphanet 2924, MedGen C4310769, MONDO:0014860, OMIM 617004.

Allele frequency attached by ClinVar (database versions not stated): 1000 Genomes Project 30x 0.01187; 1000 Genomes Project 0.01218; TOPMed 0.01871; gnomAD 0.01848.

Submission:

Illumina Laboratory Services, Illumina
Classification: Benign for Polycystic liver disease 2. Last evaluated: 2018-01-13. Review status: criteria provided, single submitter. Criteria: ICSL Variant Classification Criteria 13 December 2019. Collection method: clinical testing. Allele origin: germline.
Comment: This variant was observed in the ICSL laboratory as part of a predisposition screen in an ostensibly healthy population. It had not been previously curated by ICSL or reported in the Human Gene Mutation Database (HGMD: prior to June 1st, 2018), and was therefore a candidate for classification through an automated scoring system. Utilizing variant allele frequency, disease prevalence and penetrance estimates, and inheritance mode, an automated score was calculated to assess if this variant is too frequent to cause the disease. Based on the score and internal cut-off values, a variant classified as benign is not then subjected to further curation. The score for this variant resulted in a classification of benign for this disease.

NM_007214.5(SEC63):c.*3170C>T

Gene: SEC63 (SEC63 homolog, protein translocation regulator; minus strand). Cytogenetic location: 6q21.
Variant type: single nucleotide variant.
Coding change: c.*3170C>T on transcript NM_007214.5 (MANE Select); 3170 bases downstream of the stop codon, C replaced by T.
Molecular consequence: 3 prime UTR variant.
Genome position (GRCh38, 1-based): chr6:107,868,534, G>A on the plus strand (C>T on the coding strand, the complement: SEC63 is on the minus strand). VCF-style: chr6-107868534-G-A. GRCh37 (hg19) VCF-style: chr6-108189738-G-A.
Identifiers: ClinVar variation 354830 (VCV000354830.5), dbSNP rs12529777, ClinGen allele CA10625570.